The following is an entry in ClinVar:

ClinVar aggregate classification (germline): Uncertain significance (1 of 4 stars; one submission).

gnomAD v4.1: 4 of 1,614,178 alleles (0.00025%); highest among the groups gnomAD compares: Non-Finnish European, 0.00034%; no homozygotes.

Submission:

Labcorp Genetics (formerly Invitae), Labcorp
Classification: Uncertain significance. Last evaluated: 2023-02-04. Review status: criteria provided, single submitter. Criteria: Invitae Variant Classification Sherloc (09022015). Collection method: clinical testing. Allele origin: germline.
Comment: This variant is present in population databases (rs752995096, gnomAD 0.0009%). In summary, the available evidence is currently insufficient to determine the role of this variant in disease. Therefore, it has been classified as a Variant of Uncertain Significance. Algorithms developed to predict the effect of missense changes on protein structure and function are either unavailable or do not agree on the potential impact of this missense change (SIFT: "Deleterious"; PolyPhen-2: "Benign"; Align-GVGD: "Class C15"). This variant has not been reported in the literature in individuals affected with FAT2-related conditions. This sequence change replaces isoleucine, which is neutral and non-polar, with asparagine, which is neutral and polar, at codon 687 of the FAT2 protein (p.Ile687Asn).

NM_001447.3(FAT2):c.2060T>A (p.Ile687Asn)

Gene: FAT2 (FAT atypical cadherin 2; minus strand). Cytogenetic location: 5q33.1.
Variant type: single nucleotide variant.
Coding change: c.2060T>A on transcript NM_001447.3 (MANE Select); coding-DNA position 2060, T replaced by A.
Protein change: p.Ile687Asn; replaces isoleucine 687 with asparagine.
Molecular consequence: missense variant.
Genome position (GRCh38, 1-based): chr5:151,566,872, A>T on the plus strand (T>A on the coding strand, the complement: FAT2 is on the minus strand). VCF-style: chr5-151566872-A-T. GRCh37 (hg19) VCF-style: chr5-150946433-A-T.
Other names: short protein forms I687N.
Identifiers: ClinVar variation 1928142 (VCV001928142.5), dbSNP rs752995096, ClinGen allele CA3522143.